The following is an entry in ClinVar:

NM_001386393.1(PANK2):c.923T>G (p.Phe308Cys)

Gene: PANK2 (pantothenate kinase 2; plus strand). Cytogenetic location: 20p13.
Variant type: single nucleotide variant.
Coding change: c.923T>G on transcript NM_001386393.1 (MANE Select); coding-DNA position 923, T replaced by G.
Protein change: p.Phe308Cys; replaces phenylalanine 308 with cysteine.
Molecular consequence: missense variant. On other transcripts: 5 prime UTR variant (1), non-coding transcript variant (1).
Genome position (GRCh38, 1-based): chr20:3,912,475, T>G. VCF-style: chr20-3912475-T-G. GRCh37 (hg19) VCF-style: chr20-3893122-T-G.
Other names: c.380T>G, p.Phe127Cys (NM_001324191.2, NM_024960.6, NM_153640.4); c.-56T>G (NM_001324193.2); c.1253T>G, p.Phe418Cys (NM_153638.4); short protein forms F418C, F127C, F308C.
Identifiers: ClinVar variation 1404194 (VCV001404194.8), dbSNP rs2146872412, ClinGen allele CA408117249.

ClinVar aggregate classification (germline): Uncertain significance (1 of 4 stars; one submission).

Conditions:
Pigmentary pallidal degeneration (NBIA1). Also called: Neuroaxonal dystrophy, late infantile; Hallervorden-Spatz disease; PKAN NEUROAXONAL DYSTROPHY, JUVENILE-ONSET; HARP SYNDROME; Pantothenate Kinase-Associated Neurodegeneration; Neurodegeneration with brain iron accumulation 1. Identifiers: Orphanet 157850, MedGen C0018523, MONDO:0009319, OMIM 234200.

Submission:

Labcorp Genetics (formerly Invitae), Labcorp
Classification: Uncertain significance for Pigmentary pallidal degeneration. Last evaluated: 2022-08-10. Review status: criteria provided, single submitter. Criteria: Invitae Variant Classification Sherloc (09022015). Collection method: clinical testing. Allele origin: germline.
Comment: This variant is not present in population databases (gnomAD no frequency). In summary, the available evidence is currently insufficient to determine the role of this variant in disease. Therefore, it has been classified as a Variant of Uncertain Significance. Algorithms developed to predict the effect of missense changes on protein structure and function (SIFT, PolyPhen-2, Align-GVGD) all suggest that this variant is likely to be disruptive. ClinVar contains an entry for this variant (Variation ID: 1404194). This variant has not been reported in the literature in individuals affected with PANK2-related conditions. This sequence change replaces phenylalanine, which is neutral and non-polar, with cysteine, which is neutral and slightly polar, at codon 418 of the PANK2 protein (p.Phe418Cys).